The following is an entry in ClinVar:

ClinVar aggregate classification (germline): Uncertain significance (1 of 4 stars; one submission).

Submission:

Women's Health and Genetics/Laboratory Corporation of America, LabCorp
Classification: Uncertain significance. Last evaluated: 2019-11-26. Review status: criteria provided, single submitter. Criteria: LabCorp Variant Classification Summary - May 2015. Collection method: clinical testing. Allele origin: germline.
Comment: Variant summary: TOP2B c.3293A>G (p.Tyr1098Cys) results in a non-conservative amino acid change located in the DNA topoisomerase, type IIA, subunit A/C-terminal domain (IPR002205) of the encoded protein sequence. Five of five in-silico tools predict a damaging effect of the variant on protein function. The variant was absent in 248552 control chromosomes (gnomAD). The available data on variant occurrences in the general population are insufficient to allow any conclusion about variant significance. To our knowledge, no occurrence of c.3293A>G in individuals affected with TOP2B-Related Disorders and no experimental evidence demonstrating its impact on protein function have been reported. No clinical diagnostic laboratories have submitted clinical-significance assessments for this variant to ClinVar after 2014. Based on the evidence outlined above, the variant was classified as uncertain significance.

NM_001330700.2(TOP2B):c.3308A>G (p.Tyr1103Cys)

Gene: TOP2B (DNA topoisomerase II beta; minus strand). Cytogenetic location: 3p24.2.
Variant type: single nucleotide variant.
Coding change: c.3308A>G on transcript NM_001330700.2 (MANE Select); coding-DNA position 3308, A replaced by G.
Protein change: p.Tyr1103Cys; replaces tyrosine 1103 with cysteine.
Molecular consequence: missense variant.
Genome position (GRCh38, 1-based): chr3:25,618,461, T>C on the plus strand (A>G on the coding strand, the complement: TOP2B is on the minus strand). VCF-style: chr3-25618461-T-C. GRCh37 (hg19) VCF-style: chr3-25659952-T-C.
Other names: c.3293A>G, p.Tyr1098Cys (NM_001068.3); short protein forms Y1098C, Y1103C.
Identifiers: ClinVar variation 928654 (VCV000928654.1), dbSNP rs1702570767, ClinGen allele CA351896222.